The following is an entry in ClinVar:

ClinVar aggregate classification (germline): Likely pathogenic (1 of 4 stars; one submission).

Conditions:
Lethal congenital contractural syndrome Finnish type.

Submission:

Natera, Inc.
Classification: Likely pathogenic for Lethal congenital contractural syndrome Finnish type. Last evaluated: 2025-10-22. Review status: criteria provided, single submitter. Criteria: Natera Variant Classification Schema (03/2026). Collection method: clinical testing. Allele origin: germline.
Comment: The c.1_4del variant in GLE1 is predicted to result in start loss due to disruption of the initiator methionine. This variant is expected to result in nonsense mediated decay, truncation, or a dysfunctional protein product. This variant is rare in the general population with a frequency below the threshold expected for the associated phenotype(s). Given the available evidence, this variant is classified as Likely Pathogenic.

NM_001003722.2(GLE1):c.1_4del (p.Met1fs)

Gene: GLE1 (GLE1 RNA export mediator; plus strand). Cytogenetic location: 9q34.11.
Variant type: Deletion.
Coding change: c.1_4del on transcript NM_001003722.2 (MANE Select); coding-DNA positions 1 to 4, 4 bases deleted (ATGC; older notation c.1_4delATGC).
Protein change: p.Met1fs; shifts the reading frame from methionine 1.
Molecular consequence: frameshift variant, initiator codon variant.
Genome position (GRCh38, 1-based): chr9:128,504,806-128,504,809, ATGC deleted; deleting any 4 consecutive bases within chr9:128,504,805-128,504,809 gives the same sequence; the c. name uses the placement nearest the transcript's 3' end. VCF-style (leftmost placement, unchanged base first): chr9-128504804-CCATG-C. GRCh37 (hg19) VCF-style: chr9-131267083-CCATG-C.
Other names: c.1_4delATGC, p.Met1Argfs (NM_001003722.1); c.1_4del, p.Met1fs (NM_001411013.1, NM_001499.2); short protein forms M1fs.
Identifiers: ClinVar variation 4814486 (VCV004814486.1).
Genomic context (GRCh38, chr9:128,504,804, plus strand): 5'-GCTGATTCGAGGGCTTGTTTGGTCAGAAGGGGGGCGTCAGAGAAGCTGCCCCTTAGCCAA[CCATG>C]CCGTCTGAGGGTCGCTGCTGGGAGACCTTGAAGGCCCTACGCAGTTCCGACAAAGGTCGC-3'